The following is an entry in ClinVar:

ClinVar aggregate classification (germline): Uncertain significance (1 of 4 stars; one submission).

Conditions:
Nephronophthisis. Also called: Juvenile Nephronophthisis. Identifiers: Orphanet 655, MedGen C0687120, MONDO:0019005, HP:0000090.

Submission:

Labcorp Genetics (formerly Invitae), Labcorp
Classification: Uncertain significance for Nephronophthisis. Last evaluated: 2022-03-19. Review status: criteria provided, single submitter. Criteria: Invitae Variant Classification Sherloc (09022015). Collection method: clinical testing. Allele origin: germline.
Comment: This sequence change replaces histidine, which is basic and polar, with proline, which is neutral and non-polar, at codon 941 of the INVS protein (p.His941Pro). This variant is not present in population databases (gnomAD no frequency). This variant has not been reported in the literature in individuals affected with INVS-related conditions. Algorithms developed to predict the effect of missense changes on protein structure and function (SIFT, PolyPhen-2, Align-GVGD) all suggest that this variant is likely to be tolerated. In summary, the available evidence is currently insufficient to determine the role of this variant in disease. Therefore, it has been classified as a Variant of Uncertain Significance.

NM_014425.5(INVS):c.2822A>C (p.His941Pro)

Gene: INVS (inversin; plus strand). Cytogenetic location: 9q31.1.
Variant type: single nucleotide variant.
Coding change: c.2822A>C on transcript NM_014425.5 (MANE Select); coding-DNA position 2822, A replaced by C.
Protein change: p.His941Pro; replaces histidine 941 with proline.
Molecular consequence: missense variant. On other transcripts: non-coding transcript variant (1).
Genome position (GRCh38, 1-based): chr9:100,296,952, A>C. VCF-style: chr9-100296952-A-C. GRCh37 (hg19) VCF-style: chr9-103059234-A-C.
Other names: c.2534A>C, p.His845Pro (NM_001318381.2); c.1844A>C, p.His615Pro (NM_001318382.2); short protein forms H845P, H941P, H615P.
Identifiers: ClinVar variation 1387288 (VCV001387288.6), dbSNP rs886042226, ClinGen allele CA374245010.
Genomic context (GRCh38, chr9:100,296,952, plus strand): 5'-CTCTCCTCTCCTCTGACCCAACCAGCTACCAGCTCAGGAAGCACCTGTCCCACCTTCGGC[A>C]TATGAAGCAGCTTGGAGCTGGAGATGTGGACAGATGGAGGCAAGAGTCTACAGCATTGCT-3'
Protein context (NP_055240.2, residues 931-951): QLRKHLSHLR[His941Pro]MKQLGAGDVD